The following is an entry in ClinVar:

ClinVar aggregate classification (germline): Benign (1 of 4 stars; one submission).

Submission:

ISCA site 4
Classification: Benign. Last evaluated: 2011-08-12. Review status: criteria provided, single submitter. Criteria: Kaminsky et al. (Genet Med. 2011). Collection method: clinical testing. Allele origin: unknown. Affected: yes. Observed: 1 variant allele.
Comment: Copy number variation identified through the course of routine clinical cytogenomic testing in postnatal populations. Clinical assertions have been curated as described in Kaminsky et al. 2011.

GRCh38/hg38 14q32.33(chr14:105939848-106451054)x1

Genes: IGH (immunoglobulin heavy locus; minus strand), IGHV1-18 (immunoglobulin heavy variable 1-18; minus strand), IGHV1-2 (immunoglobulin heavy variable 1-2; minus strand), IGHV1-24 (immunoglobulin heavy variable 1-24; minus strand), IGHV1-3 (immunoglobulin heavy variable 1-3; minus strand) and 28 more. Cytogenetic location: 14q32.33.
Variant type: copy number loss.
Change: copy number 1 (one copy instead of two) of chr14:105,939,848-106,451,054 (511.2 kb, GRCh38 coordinates, 1-based), cytogenetic band 14q32.33.
Identifiers: ClinVar variation 57190 (VCV000057190.1).